The following is an entry in ClinVar:

ClinVar aggregate classification (germline): Uncertain significance (1 of 4 stars; one submission).

Allele frequency attached by ClinVar (database versions not stated): gnomAD below 0.00001 and 0.00001; TOPMed below 0.00001; ExAC 0.00002.
gnomAD v4.1: 16 of 1,614,068 alleles (0.00099%); highest among the groups gnomAD compares: South Asian, 0.0022%; no homozygotes.

Submission:

Labcorp Genetics (formerly Invitae), Labcorp
Classification: Uncertain significance. Last evaluated: 2019-10-22. Review status: criteria provided, single submitter. Criteria: Invitae Variant Classification Sherloc (09022015). Collection method: clinical testing. Allele origin: germline.
Comment: In summary, the available evidence is currently insufficient to determine the role of this variant in disease. Therefore, it has been classified as a Variant of Uncertain Significance. Algorithms developed to predict the effect of missense changes on protein structure and function output the following: SIFT: "Tolerated"; PolyPhen-2: "Not Available"; Align-GVGD: "Class C0". The methionine amino acid residue is found in multiple mammalian species, suggesting that this missense change does not adversely affect protein function. These predictions have not been confirmed by published functional studies and their clinical significance is uncertain. This variant has not been reported in the literature in individuals with RGR-related conditions. This variant is present in population databases (rs767225913, ExAC 0.006%). This sequence change replaces threonine with methionine at codon 192 of the RGR protein (p.Thr192Met). The threonine residue is moderately conserved and there is a moderate physicochemical difference between threonine and methionine.

NM_001012720.2(RGR):c.575C>T (p.Thr192Met)

Gene: RGR (retinal G protein coupled receptor; plus strand). Cytogenetic location: 10q23.1.
Variant type: single nucleotide variant.
Coding change: c.575C>T on transcript NM_001012720.2 (MANE Select); coding-DNA position 575, C replaced by T.
Protein change: p.Thr192Met; replaces threonine 192 with methionine.
Molecular consequence: missense variant.
Genome position (GRCh38, 1-based): chr10:84,254,388, C>T. VCF-style: chr10-84254388-C-T. GRCh37 (hg19) VCF-style: chr10-86014144-C-T.
Other names: c.575C>T, p.Thr192Met (NM_001012722.2); c.587C>T, p.Thr196Met (NM_002921.4); short protein forms T196M, T192M.
Identifiers: ClinVar variation 957233 (VCV000957233.9), dbSNP rs767225913, ClinGen allele CA5581491.